The following is an entry in ClinVar:

NM_002524.5(NRAS):c.74A>G (p.Gln25Arg)

Gene: NRAS (NRAS proto-oncogene, GTPase; minus strand). Cytogenetic location: 1p13.2.
Variant type: single nucleotide variant.
Coding change: c.74A>G on transcript NM_002524.5 (MANE Select); coding-DNA position 74, A replaced by G.
Protein change: p.Gln25Arg; replaces glutamine 25 with arginine.
Molecular consequence: missense variant.
Genome position (GRCh38, 1-based): chr1:114,716,087, T>C on the plus strand (A>G on the coding strand, the complement: NRAS is on the minus strand). VCF-style: chr1-114716087-T-C. GRCh37 (hg19) VCF-style: chr1-115258708-T-C.
Other names: short protein forms Q25R.
Identifiers: ClinVar variation 1220450 (VCV001220450.3), dbSNP rs2101744093, ClinGen allele CA341742396.

ClinVar aggregate classification (germline): Uncertain significance (1 of 4 stars; one submission).

Allele frequency attached by ClinVar (database versions not stated): gnomAD exomes below 0.00001.
gnomAD v4.1: 1 of 1,613,996 alleles (0.000062%); highest among the groups gnomAD compares: Non-Finnish European, 0.000085%; no homozygotes.

Submission:

GeneDx
Classification: Uncertain significance. Last evaluated: 2020-09-17. Review status: criteria provided, single submitter. Criteria: GeneDx Variant Classification Process June 2021. Collection method: clinical testing. Allele origin: germline. Affected: yes.
Comment: Not observed in large population cohorts (Lek et al., 2016); Missense variants in this gene are often considered pathogenic (Stenson et al., 2014); In silico analysis supports that this missense variant has a deleterious effect on protein structure/function; Has not been previously published as pathogenic or benign to our knowledge